The following is an entry in ClinVar:

ClinVar aggregate classification (germline): Benign. Review status: criteria provided, multiple submitters, no conflicts (2 of 4 stars). 4 submissions from 4 submitters: Benign (3). 1 of the submissions does not count toward it. Last evaluated 2022-04-19.

Conditions:
CDK12-related disorder. Also called: CDK12-related condition.
Hereditary breast ovarian cancer syndrome. Also called: Hereditary breast and ovarian cancer syndrome (HBOC); Hereditary breast and ovarian cancer; Hereditary breast and ovarian cancer syndrome; Hereditary breast and/or ovarian cancer syndrome; Breast and ovarian cancer; BRCA1- and BRCA2-Associated Hereditary Breast and Ovarian Cancer. Identifiers: Orphanet 145, MedGen C0677776, MeSH D061325, MONDO:0003582. Disease mechanism: loss of function.

Allele frequency attached by ClinVar (database versions not stated): gnomAD exomes 0.00502 and 0.01406; ExAC 0.01724; gnomAD 0.05245 and 0.05637; 1000 Genomes Project 0.05811; 1000 Genomes Project 30x 0.05949; ESP Exome Variant Server 0.05959; TOPMed 0.06001.
gnomAD v4.1: 15,665 of 1,614,046 alleles (0.97%); highest among the groups gnomAD compares: African/African-American, 18%; 1,283 homozygotes.

Submissions (4):

National Health Laboratory Service, Universitas Academic Hospital and University of the Free State
Classification: Benign for Hereditary breast ovarian cancer syndrome. Last evaluated: 2022-04-19. Review status: criteria provided, single submitter. Criteria: ACMG Guidelines, 2015. Collection method: clinical testing. Allele origin: germline. Affected: yes. Observed: 50 variant alleles.

GeneDx
Classification: Benign. Last evaluated: 2019-06-15. Review status: criteria provided, single submitter. Criteria: GeneDx Variant Classification Process June 2021. Collection method: clinical testing. Allele origin: germline. Affected: yes.

Breakthrough Genomics
Classification: Benign. Review status: criteria provided, single submitter. Criteria: ACMG Guidelines, 2015. Collection method: not provided. Allele origin: germline. Inheritance: Unknown mechanism. Affected: yes.

PreventionGenetics, part of Exact Sciences
Classification: Benign for CDK12-related condition. Last evaluated: 2019-10-28. Review status: no assertion criteria provided. Collection method: clinical testing. Allele origin: germline. Not counted in ClinVar's aggregate classification.
Comment: This variant is classified as benign based on ACMG/AMP sequence variant interpretation guidelines (Richards et al. 2015 PMID: 25741868, with internal and published modifications).

NM_016507.4(CDK12):c.714G>A (p.Ser238=)

Genes: CDK12 (cyclin dependent kinase 12; plus strand), LOC126862553 (CDK7 strongly-dependent group 2 enhancer GRCh37_chr17:37618166-37619365; plus strand). Cytogenetic location: 17q12.
Variant type: single nucleotide variant.
Coding change: c.714G>A on transcript NM_016507.4 (MANE Select); coding-DNA position 714, G replaced by A.
Protein change: p.Ser238=; no amino-acid change (serine 238 retained).
Molecular consequence: synonymous variant.
Genome position (GRCh38, 1-based): chr17:39,462,785, G>A. VCF-style: chr17-39462785-G-A. GRCh37 (hg19) VCF-style: chr17-37619038-G-A.
Other names: NP_057591.2:p.Ser238=; c.714G>A, p.Ser238= (NM_015083.4).
Identifiers: ClinVar variation 1250047 (VCV001250047.6), dbSNP rs35896550, ClinGen allele CA8531018.